The following is an entry in ClinVar:

ClinVar aggregate classification (germline): Uncertain significance (1 of 4 stars; one submission).

Submission:

GeneDx
Classification: Uncertain significance. Last evaluated: 2026-03-18. Review status: criteria provided, single submitter. Criteria: GeneDx Variant Classification Process June 2021. Collection method: clinical testing. Allele origin: germline.
Comment: Not observed at significant frequency in large population cohorts (gnomAD); In silico analysis supports that this missense variant has a deleterious effect on protein structure/function; Has not been previously published as pathogenic or benign to our knowledge

NM_021978.4(ST14):c.1537G>C (p.Asp513His)

Gene: ST14 (ST14 transmembrane serine protease matriptase; plus strand). Cytogenetic location: 11q24.3.
Variant type: single nucleotide variant.
Coding change: c.1537G>C on transcript NM_021978.4 (MANE Select); coding-DNA position 1537, G replaced by C.
Protein change: p.Asp513His; replaces aspartic acid 513 with histidine.
Molecular consequence: missense variant.
Genome position (GRCh38, 1-based): chr11:130,198,385, G>C. VCF-style: chr11-130198385-G-C. GRCh37 (hg19) VCF-style: chr11-130068280-G-C.
Other names: short protein forms D513H.
Identifiers: ClinVar variation 5009384 (VCV005009384.1).